The following is an entry in ClinVar:

ClinVar aggregate classification (germline): Uncertain significance. Review status: criteria provided, multiple submitters, no conflicts (2 of 4 stars). 2 submissions from 2 submitters: Uncertain significance (2). Last evaluated 2023-05-31.

Conditions:
Inborn genetic diseases. Identifiers: MedGen C0950123, MeSH D030342.
Cortical dysplasia-focal epilepsy syndrome (PTHSL1). Also called: Pitt-Hopkins-like syndrome 1. Identifiers: Orphanet 163681, Orphanet 221150, MedGen C2750246, MONDO:0012400, OMIM 610042.

Allele frequency attached by ClinVar (database versions not stated): gnomAD exomes below 0.00001 and 0.00001; ExAC 0.00001.
gnomAD v4.1: 2 of 1,614,146 alleles (0.00012%); highest among the groups gnomAD compares: South Asian, 0.0022%; no homozygotes.

Submissions (2):

Ambry Genetics
Classification: Uncertain significance for Inborn genetic diseases. Last evaluated: 2023-05-31. Review status: criteria provided, single submitter. Criteria: Ambry Variant Classification Scheme 2023. Collection method: clinical testing. Allele origin: germline.

Labcorp Genetics (formerly Invitae), Labcorp
Classification: Uncertain significance for Cortical dysplasia-focal epilepsy syndrome. Last evaluated: 2021-08-30. Review status: criteria provided, single submitter. Criteria: Invitae Variant Classification Sherloc (09022015). Collection method: clinical testing. Allele origin: germline.
Comment: This sequence change replaces glycine with aspartic acid at codon 709 of the CNTNAP2 protein (p.Gly709Asp). The glycine residue is highly conserved and there is a moderate physicochemical difference between glycine and aspartic acid. This variant is present in population databases (rs774529648, ExAC 0.006%). This variant has not been reported in the literature in individuals affected with CNTNAP2-related conditions. Algorithms developed to predict the effect of missense changes on protein structure and function (SIFT, PolyPhen-2, Align-GVGD) all suggest that this variant is likely to be disruptive. In summary, the available evidence is currently insufficient to determine the role of this variant in disease. Therefore, it has been classified as a Variant of Uncertain Significance.

NM_014141.6(CNTNAP2):c.2126G>A (p.Gly709Asp)

Gene: CNTNAP2 (contactin associated protein 2; plus strand). Cytogenetic location: 7q35.
Variant type: single nucleotide variant.
Coding change: c.2126G>A on transcript NM_014141.6 (MANE Select); coding-DNA position 2126, G replaced by A.
Protein change: p.Gly709Asp; replaces glycine 709 with aspartic acid.
Molecular consequence: missense variant.
Genome position (GRCh38, 1-based): chr7:147,903,592, G>A. VCF-style: chr7-147903592-G-A. GRCh37 (hg19) VCF-style: chr7-147600684-G-A.
Other names: c.2126G>A (NM_014141.5); short protein forms G709D.
Identifiers: ClinVar variation 1438508 (VCV001438508.7), dbSNP rs774529648, ClinGen allele CA4546319.
Genomic context (GRCh38, chr7:147,903,592, plus strand): 5'-TGTTTCTAAATATACCTTTGCCTTTTCTTGTAGATGGAAGCCCTTACACTTGGTGGGTTG[G>A]CAAAGCCAACGAGAAGCACTACTACTGGGGAGGCTCTGGGCCTGGAATCCAGAAATGTGC-3'
Protein context (NP_054860.1, residues 699-719): PDGSPYTWWV[Gly709Asp]KANEKHYYWG